The following is an entry in ClinVar:

NM_001142864.4(PIEZO1):c.7553G>A (p.Arg2518His)

Gene: PIEZO1 (piezo type mechanosensitive ion channel component 1 (Er blood group); minus strand). Cytogenetic location: 16q24.3.
Variant type: single nucleotide variant.
Coding change: c.7553G>A on transcript NM_001142864.4 (MANE Select); coding-DNA position 7553, G replaced by A.
Protein change: p.Arg2518His; replaces arginine 2518 with histidine.
Molecular consequence: missense variant.
Genome position (GRCh38, 1-based): chr16:88,715,618, C>T on the plus strand (G>A on the coding strand, the complement: PIEZO1 is on the minus strand). VCF-style: chr16-88715618-C-T. GRCh37 (hg19) VCF-style: chr16-88782026-C-T.
Other names: short protein forms R2518H.
Identifiers: ClinVar variation 1030207 (VCV001030207.1), dbSNP rs774268616, ClinGen allele CA8231292.

ClinVar aggregate classification (germline): Uncertain significance (1 of 4 stars; one submission).

Conditions:
Dehydrated hereditary stomatocytosis with or without pseudohyperkalemia and/or perinatal edema (DHS1). Also called: PSEUDOHYPERKALEMIA EDINBURGH; DEHYDRATED HEREDITARY STOMATOCYTOSIS AND PSEUDOHYPERKALEMIA; DEHYDRATED HEREDITARY STOMATOCYTOSIS WITH PSEUDOHYPERKALEMIA AND PERINATAL EDEMA; Pseudohyperkalemia, familial, 1, due to red cell leak; Dehydrated hereditary stomatocytosis 1 with or without pseudohyperkalemia and/or perinatal edema. Identifiers: Orphanet 3202, MedGen C4551512, MONDO:0008689, OMIM 194380.

Allele frequency attached by ClinVar (database versions not stated): TOPMed 0.00008.
gnomAD v4.1: 79 of 1,549,824 alleles (0.0051%); highest among the groups gnomAD compares: East Asian, 0.02%; no homozygotes.

Submission:

Baylor Genetics
Classification: Uncertain significance for Dehydrated hereditary stomatocytosis with or without pseudohyperkalemia and/or perinatal edema. Last evaluated: 2020-04-06. Review status: criteria provided, single submitter. Criteria: ACMG Guidelines, 2015. Collection method: clinical testing. Allele origin: unknown. Affected: yes.
Comment: This variant was determined to be of uncertain significance according to ACMG Guidelines, 2015 [PMID:25741868].